The following is an entry in ClinVar:

NM_001848.3(COL6A1):c.56_69dup (p.Glu24fs)

Gene: COL6A1 (collagen type VI alpha 1 chain; plus strand). Cytogenetic location: 21q22.3.
Variant type: Duplication.
Coding change: c.56_69dup on transcript NM_001848.3 (MANE Select); coding-DNA positions 56 to 69, 14 bases duplicated (CGCAGGATGAGCCG).
Protein change: p.Glu24fs; shifts the reading frame from glutamic acid 24.
Molecular consequence: frameshift variant.
Genome position (GRCh38, 1-based): chr21:45,981,906-45,981,919, CGCAGGATGAGCCG duplicated; duplicating any 14 consecutive bases within chr21:45,981,901-45,981,919 gives the same sequence; the c. name uses the placement nearest the transcript's 3' end. VCF-style (leftmost placement, unchanged base first): chr21-45981900-C-CAGCCGCGCAGGATG. GRCh37 (hg19) VCF-style: chr21-47401814-C-CAGCCGCGCAGGATG.
Other names: c.56_69dup (NM_001848.2); short protein forms E24fs.
Identifiers: ClinVar variation 803639 (VCV000803639.6), dbSNP rs1603589162, ClinGen allele CA915952718.

ClinVar aggregate classification (germline): Pathogenic. Review status: criteria provided, multiple submitters, no conflicts (2 of 4 stars). 4 submissions from 4 submitters: Pathogenic (4). Last evaluated 2026-02-15.

Conditions:
Ullrich congenital muscular dystrophy 1A. Also called: Intermediate COL6-RD; Ullrich congenital muscular dystrophy 1. Identifiers: Orphanet 75840, MedGen C0410179, MONDO:0009681, OMIM 254090.
Bethlem myopathy 1A. Also called: Bethlem Muscular Dystrophy; MYOPATHY, BENIGN CONGENITAL, WITH CONTRACTURES; Bethlem myopathy 1. Identifiers: Orphanet 610, MedGen CN029274, MONDO:0024530, OMIM 158810.

Submissions (4):

GeneDx
Classification: Pathogenic. Last evaluated: 2026-02-15. Review status: criteria provided, single submitter. Criteria: GeneDx Variant Classification Process June 2021. Collection method: clinical testing. Allele origin: germline.
Comment: Frameshift variant predicted to result in protein truncation or nonsense mediated decay in a gene for which loss of function is a known mechanism of disease; Not observed at significant frequency in large population cohorts (gnomAD); This variant is associated with the following publications: (PMID: 38178268, 35533453)

3billion
Classification: Pathogenic for Ullrich congenital muscular dystrophy 1A. Last evaluated: 2025-10-27. Review status: criteria provided, single submitter. Criteria: ACMG Guidelines, 2015. Collection method: clinical testing. Allele origin: germline. Affected: yes.
Comment: The variant is not observed in the gnomAD v4.1.0 dataset. Predicted Consequence/Location: Frameshift: predicted to result in a loss or disruption of normal protein function through nonsense-mediated decay (NMD) or protein truncation. Multiple pathogenic variants are reported downstream of the variant. The variant has been reported at least twice as pathogenic with clinical assertions and evidence for the classification (ClinVar ID: VCV000803639 /PMID: 35533453). Therefore, this variant is classified as Pathogenic according to the recommendation of ACMG/AMP guideline.

Labcorp Genetics (formerly Invitae), Labcorp
Classification: Pathogenic for Bethlem myopathy 1A. Last evaluated: 2023-04-12. Review status: criteria provided, single submitter. Criteria: Invitae Variant Classification Sherloc (09022015). Collection method: clinical testing. Allele origin: germline.
Comment: This sequence change creates a premature translational stop signal (p.Glu24Argfs*32) in the COL6A1 gene. It is expected to result in an absent or disrupted protein product. Loss-of-function variants in COL6A1 are known to be pathogenic (PMID: 19884007, 20976770). For these reasons, this variant has been classified as Pathogenic. ClinVar contains an entry for this variant (Variation ID: 803639). This variant has not been reported in the literature in individuals affected with COL6A1-related conditions. This variant is not present in population databases (gnomAD no frequency).

Mendelics
Classification: Pathogenic for Bethlem myopathy 1A. Last evaluated: 2019-05-28. Review status: criteria provided, single submitter. Criteria: Mendelics Assertion Criteria 2017. Collection method: clinical testing. Allele origin: unknown.

Literature cited by the submitters: PubMed 35533453 (cited by 3billion); PubMed 19884007 (cited by Labcorp Genetics (formerly Invitae), Labcorp); PubMed 20976770 (cited by Labcorp Genetics (formerly Invitae), Labcorp).